The following is an entry in ClinVar:

ClinVar aggregate classification (germline): Conflicting classifications of pathogenicity. Review status: criteria provided, conflicting classifications (1 of 4 stars). 4 submissions from 4 submitters: Uncertain significance (1); Likely benign (3). Last evaluated 2026-09-02.

Conditions:
TTN-related disorder. Also called: TTN-related condition; TTN-related disease; TTN-related disorders.

Allele frequency attached by ClinVar (database versions not stated): ExAC 0.00005; gnomAD exomes 0.00005 and 0.00011; TOPMed 0.00007; ESP Exome Variant Server 0.00008; gnomAD 0.00009.
gnomAD v4.1: 180 of 1,612,850 alleles (0.011%); highest among the groups gnomAD compares: Non-Finnish European, 0.014%; 1 homozygote.

Submissions (4):

PreventionGenetics, part of Exact Sciences
Classification: Likely benign for TTN-related condition. Last evaluated: 2026-09-02. Review status: criteria provided, single submitter. Criteria: ACMG Guidelines, 2015. Collection method: clinical testing. Allele origin: germline.
Comment: This variant is classified as likely benign based on ACMG/AMP sequence variant interpretation guidelines (Richards et al. 2015 PMID: 25741868, with internal and published modifications).

Molecular Diagnostic Laboratory for Inherited Cardiovascular Disease, Montreal Heart Institute
Classification: Likely benign. Last evaluated: 2026-03-27. Review status: criteria provided, single submitter. Criteria: ACMG Guidelines, 2015. Collection method: clinical testing. Allele origin: germline. Affected: no.

Eurofins Ntd Llc (ga)
Classification: Uncertain significance. Last evaluated: 2017-02-06. Review status: criteria provided, single submitter. Criteria: EGL Classification Definitions 2015. Collection method: clinical testing. Allele origin: germline. Observed: 1 variant allele, 1 heterozygote.

Laboratory for Molecular Medicine, Mass General Brigham Personalized Medicine
Classification: Likely benign. Last evaluated: 2011-11-10. Review status: criteria provided, single submitter. Criteria: LMM Criteria. Collection method: clinical testing. Allele origin: germline. Observed: 2 variant alleles.
Comment: Gln4582Gln in exon 45A of TTN: This variant does not change an amino acid and do es not affect the splice consensus sequence. This makes a disease causing role v ery unlikely. Gln4582Gln in exon 45A of TTN (allele frequency = n/a)

NM_133379.5(TTN):c.13746A>G (p.Gln4582=)

Gene: TTN (titin; minus strand). Cytogenetic location: 2q31.2.
Variant type: single nucleotide variant.
Coding change: c.13746A>G on transcript NM_133379.5; coding-DNA position 13746, A replaced by G.
Protein change: p.Gln4582=; no amino-acid change (glutamine 4582 retained).
Molecular consequence: synonymous variant. On other transcripts: intron variant (6).
Genome position (GRCh38, 1-based): chr2:178,748,654, T>C on the plus strand (A>G on the coding strand, the complement: TTN is on the minus strand). VCF-style: chr2-178748654-T-C. GRCh37 (hg19) VCF-style: chr2-179613381-T-C.
Other names: c.10222+4470A>G (NM_003319.4); c.10798+4470A>G (NM_133437.4); c.10597+4470A>G (NM_133432.3); c.10360+4470A>G (NM_133378.4, NM_001256850.1); c.11311+4470A>G (NM_001267550.2); c.13746A>G (NM_133379.4).
Identifiers: ClinVar variation 47760 (VCV000047760.11), dbSNP rs201945197, ClinGen allele CA141841.